The following is an entry in ClinVar:

NM_002439.5(MSH3):c.2488A>G (p.Thr830Ala)

Gene: MSH3 (mutS homolog 3; plus strand). Cytogenetic location: 5q14.1.
Variant type: single nucleotide variant.
Coding change: c.2488A>G on transcript NM_002439.5 (MANE Select); coding-DNA position 2488, A replaced by G.
Protein change: p.Thr830Ala; replaces threonine 830 with alanine.
Molecular consequence: missense variant.
Genome position (GRCh38, 1-based): chr5:80,787,617, A>G. VCF-style: chr5-80787617-A-G. GRCh37 (hg19) VCF-style: chr5-80083436-A-G.
Other names: short protein forms T830A.
Identifiers: ClinVar variation 1064266 (VCV001064266.13), dbSNP rs2112020282, ClinGen allele CA360283216.

ClinVar aggregate classification (germline): Uncertain significance. Review status: criteria provided, multiple submitters, no conflicts (2 of 4 stars). 2 submissions from 2 submitters: Uncertain significance (2). Last evaluated 2024-04-30.

Conditions:
Hereditary cancer-predisposing syndrome. Also called: Hereditary Cancer Syndrome; Hereditary neoplastic syndrome; Neoplastic Syndromes, Hereditary; Tumor predisposition. Identifiers: Orphanet 140162, MedGen C0027672, MeSH D009386, MONDO:0015356.

Submissions (2):

Labcorp Genetics (formerly Invitae), Labcorp
Classification: Uncertain significance. Last evaluated: 2024-04-30. Review status: criteria provided, single submitter. Criteria: Invitae Variant Classification Sherloc (09022015). Collection method: clinical testing. Allele origin: germline.
Comment: This sequence change replaces threonine, which is neutral and polar, with alanine, which is neutral and non-polar, at codon 830 of the MSH3 protein (p.Thr830Ala). This variant is not present in population databases (gnomAD no frequency). This variant has not been reported in the literature in individuals affected with MSH3-related conditions. ClinVar contains an entry for this variant (Variation ID: 1064266). Algorithms developed to predict the effect of missense changes on protein structure and function output the following: SIFT: "Not Available"; PolyPhen-2: "Benign"; Align-GVGD: "Not Available". The alanine amino acid residue is found in multiple mammalian species, which suggests that this missense change does not adversely affect protein function. In summary, the available evidence is currently insufficient to determine the role of this variant in disease. Therefore, it has been classified as a Variant of Uncertain Significance.

Ambry Genetics
Classification: Uncertain significance for Hereditary cancer-predisposing syndrome. Last evaluated: 2023-05-19. Review status: criteria provided, single submitter. Criteria: Ambry Variant Classification Scheme 2023. Collection method: clinical testing. Allele origin: germline.
Comment: The p.T830A variant (also known as c.2488A>G), located in coding exon 18 of the MSH3 gene, results from an A to G substitution at nucleotide position 2488. The threonine at codon 830 is replaced by alanine, an amino acid with similar properties. This amino acid position is highly conserved in available vertebrate species. In addition, the in silico prediction for this alteration is inconclusive. Since supporting evidence is limited at this time, the clinical significance of this alteration remains unclear.